The following is an entry in ClinVar:

NM_000492.4(CFTR):c.1421A>G (p.Glu474Gly)

Genes: CFTR (CF transmembrane conductance regulator; plus strand), CFTR-AS1 (CFTR antisense RNA 1; minus strand). Cytogenetic location: 7q31.2.
Variant type: single nucleotide variant.
Coding change: c.1421A>G on transcript NM_000492.4 (MANE Select); coding-DNA position 1421, A replaced by G.
Protein change: p.Glu474Gly; replaces glutamic acid 474 with glycine.
Molecular consequence: missense variant.
Genome position (GRCh38, 1-based): chr7:117,559,492, A>G. VCF-style: chr7-117559492-A-G. GRCh37 (hg19) VCF-style: chr7-117199546-A-G.
Other names: short protein forms E474G.
Identifiers: ClinVar variation 4705787 (VCV004705787.1).

ClinVar aggregate classification (germline): Uncertain significance (1 of 4 stars; one submission).

Conditions:
Cystic fibrosis (CF). Also called: MUCOVISCIDOSIS. Identifiers: Orphanet 586, MedGen C0010674, MONDO:0009061, OMIM 219700. Disease mechanism: loss of function.

gnomAD v4.1: 1 of 1,609,972 alleles (0.000062%); highest among the groups gnomAD compares: Admixed American, 0.0017%; no homozygotes.

Submission:

Labcorp Genetics (formerly Invitae), Labcorp
Classification: Uncertain significance for Cystic fibrosis. Last evaluated: 2025-08-29. Review status: criteria provided, single submitter. Criteria: Invitae Variant Classification Sherloc (09022015). Collection method: clinical testing. Allele origin: germline.
Comment: This sequence change replaces glutamic acid, which is acidic and polar, with glycine, which is neutral and non-polar, at codon 474 of the CFTR protein (p.Glu474Gly). This variant is not present in population databases (gnomAD no frequency). This variant has not been reported in the literature in individuals affected with CFTR-related conditions. Invitae Evidence Modeling of protein sequence and biophysical properties (such as structural, functional, and spatial information, amino acid conservation, physicochemical variation, residue mobility, and thermodynamic stability) indicates that this missense variant is expected to disrupt CFTR protein function with a positive predictive value of 80%. In summary, the available evidence is currently insufficient to determine the role of this variant in disease. Therefore, it has been classified as a Variant of Uncertain Significance.